The following is an entry in ClinVar:

NM_004273.5(CHST3):c.469A>G (p.Asn157Asp)

Gene: CHST3 (carbohydrate sulfotransferase 3; plus strand). Cytogenetic location: 10q22.1.
Variant type: single nucleotide variant.
Coding change: c.469A>G on transcript NM_004273.5 (MANE Select); coding-DNA position 469, A replaced by G.
Protein change: p.Asn157Asp; replaces asparagine 157 with aspartic acid.
Molecular consequence: missense variant.
Genome position (GRCh38, 1-based): chr10:72,007,500, A>G. VCF-style: chr10-72007500-A-G. GRCh37 (hg19) VCF-style: chr10-73767258-A-G.
Other names: short protein forms N157D.
Identifiers: ClinVar variation 2156518 (VCV002156518.4), dbSNP rs1287115514, ClinGen allele CA377143956.

ClinVar aggregate classification (germline): Uncertain significance (1 of 4 stars; one submission).

Conditions:
Spondyloepiphyseal dysplasia with congenital joint dislocations (SEDCJD). Also called: Chondrodysplasia with Congenital Joint Dislocations, CHST3-Related. Identifiers: Orphanet 263463, MedGen C1837657, MONDO:0007738, OMIM 143095.

Allele frequency attached by ClinVar (database versions not stated): gnomAD exomes below 0.00001; TOPMed below 0.00001; gnomAD 0.00001.
gnomAD v4.1: 5 of 1,602,402 alleles (0.00031%); highest among the groups gnomAD compares: East Asian, 0.0022%; no homozygotes.

Submission:

Labcorp Genetics (formerly Invitae), Labcorp
Classification: Uncertain significance for Spondyloepiphyseal dysplasia with congenital joint dislocations. Last evaluated: 2024-11-15. Review status: criteria provided, single submitter. Criteria: Invitae Variant Classification Sherloc (09022015). Collection method: clinical testing. Allele origin: germline.
Comment: This sequence change replaces asparagine, which is neutral and polar, with aspartic acid, which is acidic and polar, at codon 157 of the CHST3 protein (p.Asn157Asp). This variant is not present in population databases (gnomAD no frequency). This variant has not been reported in the literature in individuals affected with CHST3-related conditions. ClinVar contains an entry for this variant (Variation ID: 2156518). Invitae Evidence Modeling of protein sequence and biophysical properties (such as structural, functional, and spatial information, amino acid conservation, physicochemical variation, residue mobility, and thermodynamic stability) indicates that this missense variant is not expected to disrupt CHST3 protein function with a negative predictive value of 95%. In summary, the available evidence is currently insufficient to determine the role of this variant in disease. Therefore, it has been classified as a Variant of Uncertain Significance.